The following is an entry in ClinVar:

NM_000030.3(AGXT):c.973del (p.Ala325fs)

Gene: AGXT (alanine--glyoxylate aminotransferase; plus strand). Cytogenetic location: 2q37.3.
Variant type: Deletion.
Coding change: c.973del on transcript NM_000030.3 (MANE Select); coding-DNA position 973, one base deleted (G; older notation c.973delG).
Protein change: p.Ala325fs; shifts the reading frame from alanine 325.
Molecular consequence: frameshift variant.
Genome position (GRCh38, 1-based): chr2:240,878,052, G deleted; the last of 2 consecutive G bases (chr2:240,878,051-240,878,052); deleting either gives the same sequence. VCF-style (leftmost placement, unchanged base first): chr2-240878050-TG-T. GRCh37 (hg19) VCF-style: chr2-241817467-TG-T.
Other names: short protein forms A325fs.
Identifiers: ClinVar variation 951893 (VCV000951893.12), dbSNP rs2059037657, ClinGen allele CA1139655794.

ClinVar aggregate classification (germline): Pathogenic/Likely pathogenic. Review status: criteria provided, multiple submitters, no conflicts (2 of 4 stars). 2 submissions from 2 submitters: Pathogenic (1); Likely pathogenic (1). Last evaluated 2022-08-30.

Conditions:
Primary hyperoxaluria, type I (HP1). Also called: Primary hyperoxaluria type 1; GLYCOLIC ACIDURIA; HEPATIC AGT DEFICIENCY; OXALOSIS I. Identifiers: Orphanet 416, Orphanet 93598, MedGen C0268164, MONDO:0009823, OMIM 259900. Disease mechanism: loss of function.

Submissions (2):

Revvity Omics, Revvity
Classification: Likely pathogenic for Primary hyperoxaluria, type I. Last evaluated: 2022-08-30. Review status: criteria provided, single submitter. Criteria: ACMG Guidelines, 2015. Collection method: clinical testing. Allele origin: germline.

Labcorp Genetics (formerly Invitae), Labcorp
Classification: Pathogenic. Last evaluated: 2019-04-29. Review status: criteria provided, single submitter. Criteria: Invitae Variant Classification Sherloc (09022015). Collection method: clinical testing. Allele origin: germline.
Comment: For these reasons, this variant has been classified as Pathogenic. Loss-of-function variants in AGXT are known to be pathogenic (PMID: 19479957). This variant has been observed in an individual affected with primary hyperoxaluria (PMID: 25644115). This variant is not present in population databases (ExAC no frequency). This sequence change creates a premature translational stop signal (p.Ala325Leufs*16) in the AGXT gene. It is expected to result in an absent or disrupted protein product.

Literature cited by the submitters: PubMed 19479957 (cited by Labcorp Genetics (formerly Invitae), Labcorp); PubMed 25644115 (cited by Labcorp Genetics (formerly Invitae), Labcorp).